The following is an entry in ClinVar:

ClinVar aggregate classification (germline): Uncertain significance (1 of 4 stars; one submission).

Conditions:
Hereditary cancer-predisposing syndrome. Also called: Neoplastic Syndromes, Hereditary; Tumor predisposition; Hereditary neoplastic syndrome; Hereditary Cancer Syndrome. Identifiers: Orphanet 140162, MedGen C0027672, MeSH D009386, MONDO:0015356.

Allele frequency attached by ClinVar (database versions not stated): gnomAD 0.00001.
gnomAD v4.1: 1 of 1,613,640 alleles (0.000062%); highest among the groups gnomAD compares: Non-Finnish European, 0.000085%; no homozygotes.

Submission:

Ambry Genetics
Classification: Uncertain significance for Hereditary cancer-predisposing syndrome. Last evaluated: 2025-02-18. Review status: criteria provided, single submitter. Criteria: Ambry Variant Classification Scheme 2023. Collection method: clinical testing. Allele origin: germline.
Comment: The p.H114R variant (also known as c.341A>G), located in coding exon 2 of the FLCN gene, results from an A to G substitution at nucleotide position 341. The histidine at codon 114 is replaced by arginine, an amino acid with highly similar properties. This amino acid position is not well conserved in available vertebrate species. In addition, this alteration is predicted to be tolerated by in silico analysis. Based on the available evidence, the clinical significance of this variant remains unclear.

NM_144997.7(FLCN):c.341A>G (p.His114Arg)

Gene: FLCN (folliculin; minus strand). Cytogenetic location: 17p11.2.
Variant type: single nucleotide variant.
Coding change: c.341A>G on transcript NM_144997.7 (MANE Select); coding-DNA position 341, A replaced by G.
Protein change: p.His114Arg; replaces histidine 114 with arginine.
Molecular consequence: missense variant.
Genome position (GRCh38, 1-based): chr17:17,226,231, T>C on the plus strand (A>G on the coding strand, the complement: FLCN is on the minus strand). VCF-style: chr17-17226231-T-C. GRCh37 (hg19) VCF-style: chr17-17129545-T-C.
Other names: c.341A>G, p.His114Arg (NM_001353229.2, NM_001353230.2, NM_001353231.2 and 1 more transcripts); short protein forms H114R.
Identifiers: ClinVar variation 823754 (VCV000823754.5), dbSNP rs1567822713, ClinGen allele CA398534795.